The following is an entry in ClinVar:

ClinVar aggregate classification (germline): Benign. Review status: criteria provided, multiple submitters, no conflicts (2 of 4 stars). 2 submissions from 2 submitters: Benign (2). Last evaluated 2018-06-15.

Allele frequency attached by ClinVar (database versions not stated): TOPMed 0.17817; 1000 Genomes Project 30x 0.17942; 1000 Genomes Project 0.18570; gnomAD 0.18635 and 0.19118.
gnomAD v4.1: 189,073 of 825,812 alleles (23%); highest among the groups gnomAD compares: South Asian, 32%; 23,341 homozygotes.

Submissions (2):

GeneDx
Classification: Benign. Last evaluated: 2018-06-15. Review status: criteria provided, single submitter. Criteria: GeneDx Variant Classification (06012015). Collection method: clinical testing. Allele origin: germline. Affected: yes.
Comment: This variant is considered likely benign or benign based on one or more of the following criteria: it is a conservative change, it occurs at a poorly conserved position in the protein, it is predicted to be benign by multiple in silico algorithms, and/or has population frequency not consistent with disease.

Breakthrough Genomics
Classification: Benign. Review status: criteria provided, single submitter. Criteria: ACMG Guidelines, 2015. Collection method: not provided. Allele origin: germline. Inheritance: Autosomal dominant inheritance. Affected: yes.

NM_003072.5(SMARCA4):c.2001+133C>T

Gene: SMARCA4 (SWI/SNF related BAF chromatin remodeling complex subunit ATPase 4; plus strand). Cytogenetic location: 19p13.2.
Variant type: single nucleotide variant.
Coding change: c.2001+133C>T on transcript NM_003072.5 (MANE Select); 133 bases into the intron after coding-DNA position 2001, C replaced by T.
Molecular consequence: intron variant.
Genome position (GRCh38, 1-based): chr19:11,003,530, C>T. VCF-style: chr19-11003530-C-T. GRCh37 (hg19) VCF-style: chr19-11114206-C-T.
Other names: c.2001+133C>T (NM_001128844.3, NM_001128849.3, NM_001128847.4 and 5 more transcripts).
Identifiers: ClinVar variation 676518 (VCV000676518.2), dbSNP rs17766161, ClinGen allele CA14635543.
Genomic context (GRCh38, chr19:11,003,530, plus strand): 5'-CCGTCTCCTGCCCTGGCTGGGCATCTTGTGGGGCAGGGAACAGCAGGGCCCAGGCCTGCC[C>T]GAAGTCGGTGCTTTAGAGCTGTCCTATCCAATAGGGCAGCTTCTGGCGACATGTGACCAT-3'